The following is an entry in ClinVar:

NM_001114134.2(EPB42):c.309C>T (p.Thr103=)

Gene: EPB42 (erythrocyte membrane protein band 4.2; minus strand). Cytogenetic location: 15q15.2.
Variant type: single nucleotide variant.
Coding change: c.309C>T on transcript NM_001114134.2 (MANE Select); coding-DNA position 309, C replaced by T.
Protein change: p.Thr103=; no amino-acid change (threonine 103 retained).
Molecular consequence: synonymous variant.
Genome position (GRCh38, 1-based): chr15:43,215,216, G>A on the plus strand (C>T on the coding strand, the complement: EPB42 is on the minus strand). VCF-style: chr15-43215216-G-A. GRCh37 (hg19) VCF-style: chr15-43507414-G-A.
Other names: c.399C>T, p.Thr133= (NM_000119.3).
Identifiers: ClinVar variation 5039838 (VCV005039838.1).

ClinVar aggregate classification (germline): Likely benign (1 of 4 stars; one submission).

Submission:

CeGaT Center for Human Genetics Tuebingen
Classification: Likely benign. Last evaluated: 2026-07-01. Review status: criteria provided, single submitter. Criteria: CeGaT Center For Human Genetics Tuebingen Variant Classification Criteria Version 2. Collection method: clinical testing. Allele origin: germline. Affected: yes. Observed: 1 variant allele.
Comment: EPB42: PM2:Supporting, BP4, BP7